The following is an entry in ClinVar:

NM_005529.7(HSPG2):c.1748T>C (p.Val583Ala)

Gene: HSPG2 (heparan sulfate proteoglycan 2; minus strand). Cytogenetic location: 1p36.12.
Variant type: single nucleotide variant.
Coding change: c.1748T>C on transcript NM_005529.7 (MANE Select); coding-DNA position 1748, T replaced by C.
Protein change: p.Val583Ala; replaces valine 583 with alanine.
Molecular consequence: missense variant.
Genome position (GRCh38, 1-based): chr1:21,881,409, A>G on the plus strand (T>C on the coding strand, the complement: HSPG2 is on the minus strand). VCF-style: chr1-21881409-A-G. GRCh37 (hg19) VCF-style: chr1-22207902-A-G.
Other names: c.1748T>C (NM_005529.5); c.1751T>C, p.Val584Ala (NM_001291860.2); short protein forms V584A, V583A.
Identifiers: ClinVar variation 1478418 (VCV001478418.9), dbSNP rs768739676, ClinGen allele CA673315.

ClinVar aggregate classification (germline): Uncertain significance. Review status: criteria provided, multiple submitters, no conflicts (2 of 4 stars). 2 submissions from 2 submitters: Uncertain significance (2). Last evaluated 2025-09-05.

Conditions:
Inborn genetic diseases. Identifiers: MedGen C0950123, MeSH D030342.

Allele frequency attached by ClinVar (database versions not stated): ExAC 0.00001; gnomAD exomes 0.00001 and 0.00003; gnomAD 0.00003; TOPMed 0.00003.
gnomAD v4.1: 44 of 1,613,974 alleles (0.0027%); highest among the groups gnomAD compares: Non-Finnish European, 0.0036%; no homozygotes.

Submissions (2):

Ambry Genetics
Classification: Uncertain significance for Inborn genetic diseases. Last evaluated: 2025-09-05. Review status: criteria provided, single submitter. Criteria: Ambry Variant Classification Scheme 2023. Collection method: clinical testing. Allele origin: germline.

Labcorp Genetics (formerly Invitae), Labcorp
Classification: Uncertain significance. Last evaluated: 2022-06-20. Review status: criteria provided, single submitter. Criteria: Invitae Variant Classification Sherloc (09022015). Collection method: clinical testing. Allele origin: germline.
Comment: This sequence change replaces valine, which is neutral and non-polar, with alanine, which is neutral and non-polar, at codon 583 of the HSPG2 protein (p.Val583Ala). This variant is present in population databases (rs768739676, gnomAD 0.003%). This variant has not been reported in the literature in individuals affected with HSPG2-related conditions. Algorithms developed to predict the effect of missense changes on protein structure and function are either unavailable or do not agree on the potential impact of this missense change (SIFT: "Tolerated"; PolyPhen-2: "Possibly Damaging"; Align-GVGD: "Class C0"). In summary, the available evidence is currently insufficient to determine the role of this variant in disease. Therefore, it has been classified as a Variant of Uncertain Significance.